The following is an entry in ClinVar:

ClinVar aggregate classification (germline): Uncertain significance (1 of 4 stars; one submission).

Allele frequency attached by ClinVar (database versions not stated): gnomAD exomes below 0.00001; ExAC 0.00001.
gnomAD v4.1: 1 of 1,614,180 alleles (0.000062%); highest among the groups gnomAD compares: Non-Finnish European, 0.000085%; no homozygotes.

Submission:

Labcorp Genetics (formerly Invitae), Labcorp
Classification: Uncertain significance. Last evaluated: 2026-01-05. Review status: criteria provided, single submitter. Criteria: Invitae Variant Classification Sherloc (09022015). Collection method: clinical testing. Allele origin: germline.
Comment: This sequence change replaces glutamine, which is neutral and polar, with histidine, which is basic and polar, at codon 538 of the USP7 protein (p.Gln538His). This variant is present in population databases (rs777052576, gnomAD 0.0009%). This variant has not been reported in the literature in individuals affected with USP7-related conditions. ClinVar contains an entry for this variant (Variation ID: 1977939). An algorithm developed to predict the effect of missense changes on protein structure and function (PolyPhen-2) suggests that this variant is likely to be tolerated. In summary, the available evidence is currently insufficient to determine the role of this variant in disease. Therefore, it has been classified as a Variant of Uncertain Significance.

NM_003470.3(USP7):c.1614G>C (p.Gln538His)

Gene: USP7 (ubiquitin specific peptidase 7; minus strand). Cytogenetic location: 16p13.2.
Variant type: single nucleotide variant.
Coding change: c.1614G>C on transcript NM_003470.3 (MANE Select); coding-DNA position 1614, G replaced by C.
Protein change: p.Gln538His; replaces glutamine 538 with histidine.
Molecular consequence: missense variant.
Genome position (GRCh38, 1-based): chr16:8,904,525, C>G on the plus strand (G>C on the coding strand, the complement: USP7 is on the minus strand). VCF-style: chr16-8904525-C-G. GRCh37 (hg19) VCF-style: chr16-8998382-C-G.
Other names: c.1566G>C, p.Gln522His (NM_001286457.2); c.1317G>C, p.Gln439His (NM_001286458.2); c.1440G>C, p.Gln480His (NM_001321858.2); short protein forms Q439H, Q538H, Q522H, Q480H.
Identifiers: ClinVar variation 1977939 (VCV001977939.5), dbSNP rs777052576, ClinGen allele CA7895331.